The following is an entry in ClinVar:

ClinVar aggregate classification (germline): Pathogenic (1 of 4 stars; one submission).

Submission:

GeneDx
Classification: Pathogenic. Last evaluated: 2020-02-21. Review status: criteria provided, single submitter. Criteria: GeneDx Variant Classification Process June 2021. Collection method: clinical testing. Allele origin: germline. Affected: yes.
Comment: Previously reported in a proband and parent, both of whom had infantile onset seizures (Symonds et al., 2019); Frameshift variant predicted to result in protein truncation or nonsense mediated decay in a gene for which loss-of-function is a known mechanism of disease; Not observed in large population cohorts (Lek et al., 2016); This variant is associated with the following publications: (PMID: 31302675)

NM_052874.5(STX1B):c.553_554del (p.Gln185fs)

Gene: STX1B (syntaxin 1B; minus strand). Cytogenetic location: 16p11.2.
Variant type: Microsatellite.
Coding change: c.553_554del on transcript NM_052874.5 (MANE Select); coding-DNA positions 553 to 554, 2 bases deleted (CA; older notation c.553_554delCA).
Protein change: p.Gln185fs; shifts the reading frame from glutamine 185.
Molecular consequence: frameshift variant.
Genome position (GRCh38, 1-based): chr16:30,993,468-30,993,469, TG deleted on the plus strand (CA on the coding strand, the reverse complement: STX1B is on the minus strand); deleting any 2 consecutive bases within chr16:30,993,468-30,993,471 gives the same sequence; the c. name uses the placement nearest the transcript's 3' end. VCF-style (leftmost placement, unchanged base first): chr16-30993467-CTG-C. GRCh37 (hg19) VCF-style: chr16-31004788-CTG-C.
Other names: c.553_554delCA (NM_052874.3); short protein forms Q185fs.
Identifiers: ClinVar variation 817758 (VCV000817758.2), dbSNP rs1596714750, ClinGen allele CA915949243.
Genomic context (GRCh38, chr16:30,993,467, plus strand): 5'-CTCCAGCTTGATGATCTCATTGTGCCTCGTCTCAATCTCATTCAGCGCCTGCTTCGTCAT[CTG>C]TGAGTCCATTTTGATCTAGGGTGACGAGGGAGAGAGCTACAATCACCCTTCTCCGCCATG-3'